The following is an entry in ClinVar:

NM_022124.6(CDH23):c.8027C>T (p.Ala2676Val)

Genes: CDH23 (cadherin related 23; plus strand), LOC111982869 (Sharpr-MPRA regulatory region 2121; plus strand). Cytogenetic location: 10q22.1.
Variant type: single nucleotide variant.
Coding change: c.8027C>T on transcript NM_022124.6 (MANE Select); coding-DNA position 8027, C replaced by T.
Protein change: p.Ala2676Val; replaces alanine 2676 with valine.
Molecular consequence: missense variant.
Genome position (GRCh38, 1-based): chr10:71,805,960, C>T. VCF-style: chr10-71805960-C-T. GRCh37 (hg19) VCF-style: chr10-73565717-C-T.
Other names: c.1307C>T, p.Ala436Val (NM_001171933.1, NM_001171934.1); short protein forms A2676V, A436V.
Identifiers: ClinVar variation 1499253 (VCV001499253.3), dbSNP rs2132983989, ClinGen allele CA377162186.

ClinVar aggregate classification (germline): Uncertain significance (1 of 4 stars; one submission).

Submission:

Labcorp Genetics (formerly Invitae), Labcorp
Classification: Uncertain significance. Last evaluated: 2021-07-31. Review status: criteria provided, single submitter. Criteria: Invitae Variant Classification Sherloc (09022015). Collection method: clinical testing. Allele origin: germline.
Comment: This sequence change replaces alanine with valine at codon 2676 of the CDH23 protein (p.Ala2676Val). The alanine residue is highly conserved and there is a small physicochemical difference between alanine and valine. This variant is not present in population databases (ExAC no frequency). This variant has not been reported in the literature in individuals affected with CDH23-related conditions. Algorithms developed to predict the effect of missense changes on protein structure and function are either unavailable or do not agree on the potential impact of this missense change (SIFT: "Deleterious"; PolyPhen-2: "Not Available"; Align-GVGD: "Class C0"). In summary, the available evidence is currently insufficient to determine the role of this variant in disease. Therefore, it has been classified as a Variant of Uncertain Significance.